The following is an entry in ClinVar:

NM_020247.5(COQ8A):c.776A>G (p.Asn259Ser)

Gene: COQ8A (coenzyme Q8A; plus strand). Cytogenetic location: 1q42.13.
Variant type: single nucleotide variant.
Coding change: c.776A>G on transcript NM_020247.5 (MANE Select); coding-DNA position 776, A replaced by G.
Protein change: p.Asn259Ser; replaces asparagine 259 with serine.
Molecular consequence: missense variant.
Genome position (GRCh38, 1-based): chr1:226,982,072, A>G. VCF-style: chr1-226982072-A-G. GRCh37 (hg19) VCF-style: chr1-227169773-A-G.
Other names: short protein forms N259S.
Identifiers: ClinVar variation 1446303 (VCV001446303.6), dbSNP rs1216629181, ClinGen allele CA345051949.

ClinVar aggregate classification (germline): Uncertain significance (1 of 4 stars; one submission).

Allele frequency attached by ClinVar (database versions not stated): gnomAD exomes below 0.00001; gnomAD 0.00001; TOPMed 0.00001.
gnomAD v4.1: 6 of 1,612,766 alleles (0.00037%); highest among the groups gnomAD compares: East Asian, 0.0022%; no homozygotes.

Submission:

Labcorp Genetics (formerly Invitae), Labcorp
Classification: Uncertain significance. Last evaluated: 2025-05-27. Review status: criteria provided, single submitter. Criteria: Invitae Variant Classification Sherloc (09022015). Collection method: clinical testing. Allele origin: germline.
Comment: This sequence change replaces asparagine, which is neutral and polar, with serine, which is neutral and polar, at codon 259 of the COQ8A protein (p.Asn259Ser). The frequency data for this variant in the population databases is considered unreliable, as metrics indicate poor data quality at this position in the gnomAD database. This variant has not been reported in the literature in individuals affected with COQ8A-related conditions. ClinVar contains an entry for this variant (Variation ID: 1446303). Invitae Evidence Modeling of protein sequence and biophysical properties (such as structural, functional, and spatial information, amino acid conservation, physicochemical variation, residue mobility, and thermodynamic stability) has been performed for this missense variant. However, the output from this modeling did not meet the statistical confidence thresholds required to predict the impact of this variant on COQ8A protein function. In summary, the available evidence is currently insufficient to determine the role of this variant in disease. Therefore, it has been classified as a Variant of Uncertain Significance.